The following is an entry in ClinVar:

NM_001367823.1(ARHGEF18):c.2555A>G (p.Gln852Arg)

Gene: ARHGEF18 (Rho/Rac guanine nucleotide exchange factor 18; plus strand). Cytogenetic location: 19p13.2.
Variant type: single nucleotide variant.
Coding change: c.2555A>G on transcript NM_001367823.1 (MANE Select); coding-DNA position 2555, A replaced by G.
Protein change: p.Gln852Arg; replaces glutamine 852 with arginine.
Molecular consequence: missense variant.
Genome position (GRCh38, 1-based): chr19:7,462,254, A>G. VCF-style: chr19-7462254-A-G. GRCh37 (hg19) VCF-style: chr19-7527140-A-G.
Other names: c.1829A>G, p.Gln610Arg (NM_001130955.2); c.1517A>G, p.Gln506Arg (NM_001367824.1, NM_015318.4); short protein forms Q506R, Q852R, Q610R.
Identifiers: ClinVar variation 2104167 (VCV002104167.5), dbSNP rs773492546, ClinGen allele CA9136899.

ClinVar aggregate classification (germline): Uncertain significance. Review status: criteria provided, multiple submitters, no conflicts (2 of 4 stars). 2 submissions from 2 submitters: Uncertain significance (2). Last evaluated 2024-10-17.

Allele frequency attached by ClinVar (database versions not stated): gnomAD exomes 0.00001.
gnomAD v4.1: 12 of 1,613,748 alleles (0.00074%); highest among the groups gnomAD compares: Admixed American, 0.0017%; no homozygotes.

Submissions (2):

Blueprint Genetics
Classification: Uncertain significance. Last evaluated: 2024-10-17. Review status: criteria provided, single submitter. Criteria: ACMG Guidelines, 2015. Collection method: clinical testing. Allele origin: germline.

Labcorp Genetics (formerly Invitae), Labcorp
Classification: Uncertain significance. Last evaluated: 2022-06-28. Review status: criteria provided, single submitter. Criteria: Invitae Variant Classification Sherloc (09022015). Collection method: clinical testing. Allele origin: germline.
Comment: Algorithms developed to predict the effect of missense changes on protein structure and function output the following: SIFT: "Tolerated"; PolyPhen-2: "Benign"; Align-GVGD: "Class C0". The arginine amino acid residue is found in multiple mammalian species, which suggests that this missense change does not adversely affect protein function. In summary, the available evidence is currently insufficient to determine the role of this variant in disease. Therefore, it has been classified as a Variant of Uncertain Significance. This variant has not been reported in the literature in individuals affected with ARHGEF18-related conditions. This variant is present in population databases (rs773492546, gnomAD 0.003%). This sequence change replaces glutamine, which is neutral and polar, with arginine, which is basic and polar, at codon 664 of the ARHGEF18 protein (p.Gln664Arg).